The following is an entry in ClinVar:

ClinVar aggregate classification (germline): Uncertain significance (1 of 4 stars; one submission).

Conditions:
Dyskeratosis congenita. Identifiers: Orphanet 1775, MedGen C0265965, MONDO:0015780.

Submission:

Ambry Genetics
Classification: Uncertain significance for Dyskeratosis congenita. Last evaluated: 2025-03-30. Review status: criteria provided, single submitter. Criteria: Ambry Variant Classification Scheme 2023. Collection method: clinical testing. Allele origin: germline.
Comment: The p.V658M variant (also known as c.1972G>A), located in coding exon 5 of the TERT gene, results from a G to A substitution at nucleotide position 1972. The valine at codon 658 is replaced by methionine, an amino acid with highly similar properties. This amino acid position is conserved. In addition, this alteration is predicted to be tolerated by in silico analysis. Based on the available evidence, the clinical significance of this variant remains unclear.

NM_198253.3(TERT):c.1972G>A (p.Val658Met)

Gene: TERT (telomerase reverse transcriptase; minus strand). Cytogenetic location: 5p15.33.
Variant type: single nucleotide variant.
Coding change: c.1972G>A on transcript NM_198253.3 (MANE Select); coding-DNA position 1972, G replaced by A.
Protein change: p.Val658Met; replaces valine 658 with methionine.
Molecular consequence: missense variant. On other transcripts: non-coding transcript variant (2).
Genome position (GRCh38, 1-based): chr5:1,279,449, C>T on the plus strand (G>A on the coding strand, the complement: TERT is on the minus strand). VCF-style: chr5-1279449-C-T. GRCh37 (hg19) VCF-style: chr5-1279564-C-T.
Other names: c.1972G>A, p.Val658Met (NM_001193376.3); short protein forms V658M.
Identifiers: ClinVar variation 3967337 (VCV003967337.1).
Genomic context (GRCh38, chr5:1,279,449, plus strand): 5'-CGCCCAGGAGGCCGGGGCGCCGCGCCCGCTCGTAGTTGAGCACGCTGAACAGTGCCTTCA[C>T]CCTCGAGGTGAGACGCTCGGCCTGGCGGGGACAGCATGGGAGACAGTCAGGAAAGTGGAT-3'
Protein context (NP_937983.2, residues 648-668): EKRAERLTSR[Val658Met]KALFSVLNYE